The following is an entry in ClinVar:

NM_032607.3(CREB3L3):c.1371G>A (p.Ala457=)

Genes: CREB3L3 (cAMP responsive element binding protein 3 like 3; plus strand), LOC125371455 (Sharpr-MPRA regulatory region 11650; plus strand). Cytogenetic location: 19p13.3.
Variant type: single nucleotide variant.
Coding change: c.1371G>A on transcript NM_032607.3 (MANE Select); coding-DNA position 1371, G replaced by A.
Protein change: p.Ala457=; no amino-acid change (alanine 457 retained).
Molecular consequence: synonymous variant. On other transcripts: 3 prime UTR variant (1).
Genome position (GRCh38, 1-based): chr19:4,171,954, G>A. VCF-style: chr19-4171954-G-A. GRCh37 (hg19) VCF-style: chr19-4171951-G-A.
Other names: c.1368G>A, p.Ala456= (NM_001271995.2); c.1365G>A, p.Ala455= (NM_001271996.2); c.*250G>A (NM_001271997.2); c.1371G>A (NM_032607.2).
Identifiers: ClinVar variation 2886151 (VCV002886151.4), dbSNP rs182088937, ClinGen allele CA9091695.
Genomic context (GRCh38, chr19:4,171,954, plus strand): 5'-GCTGGACTGGGTGGCGCCTGGGCCGAGCACTGGCTCAGGACGTGCAGGGCTGGAGGCGGC[G>A]GGAGACGAGCTGTGAGCCCCGCCAGGACTATGCTCCCAGGCCCCTCTGCCCAGGGGTGCC-3'
Protein context (NP_115996.1, residues 447-461): TGSGRAGLEA[Ala457=]GDEL

ClinVar aggregate classification (germline): Likely benign. Review status: criteria provided, multiple submitters, no conflicts (2 of 4 stars). 2 submissions from 2 submitters: Likely benign (2). Last evaluated 2026-06-23.

Conditions:
CREB3L3-related disorder. Also called: CREB3L3-related condition.

Allele frequency attached by ClinVar (database versions not stated): 1000 Genomes Project 30x 0.00016; ExAC 0.00019; 1000 Genomes Project 0.00020; gnomAD 0.00021; TOPMed 0.00022; ESP Exome Variant Server 0.00023.
gnomAD v4.1: 400 of 1,601,108 alleles (0.025%); highest among the groups gnomAD compares: Non-Finnish European, 0.031%; no homozygotes.

Submissions (2):

PreventionGenetics, part of Exact Sciences
Classification: Likely benign for CREB3L3-related condition. Last evaluated: 2026-06-23. Review status: criteria provided, single submitter. Criteria: ACMG Guidelines, 2015. Collection method: clinical testing. Allele origin: germline.
Comment: This variant is classified as likely benign based on ACMG/AMP sequence variant interpretation guidelines (Richards et al. 2015 PMID: 25741868, with internal and published modifications).

Labcorp Genetics (formerly Invitae), Labcorp
Classification: Likely benign. Last evaluated: 2025-12-03. Review status: criteria provided, single submitter. Criteria: Invitae Variant Classification Sherloc (09022015). Collection method: clinical testing. Allele origin: germline.